The following is an entry in ClinVar:

NM_006206.6(PDGFRA):c.1348T>C (p.Cys450Arg)

Gene: PDGFRA (platelet derived growth factor receptor alpha; plus strand). Cytogenetic location: 4q12.
Variant type: single nucleotide variant.
Coding change: c.1348T>C on transcript NM_006206.6 (MANE Select); coding-DNA position 1348, T replaced by C.
Protein change: p.Cys450Arg; replaces cysteine 450 with arginine.
Molecular consequence: missense variant.
Genome position (GRCh38, 1-based): chr4:54,272,504, T>C. VCF-style: chr4-54272504-T-C. GRCh37 (hg19) VCF-style: chr4-55138671-T-C.
Other names: c.1348T>C, p.Cys450Arg (NM_001347827.2, NM_001347829.2); c.1423T>C, p.Cys475Arg (NM_001347828.2); c.1387T>C, p.Cys463Arg (NM_001347830.2); short protein forms C450R, C463R, C475R.
Identifiers: ClinVar variation 3225260 (VCV003225260.1), dbSNP rs2475482800, ClinGen allele CA356892361.

ClinVar aggregate classification (germline): Uncertain significance (1 of 4 stars; one submission).

Conditions:
Hereditary cancer-predisposing syndrome. Also called: Neoplastic Syndromes, Hereditary; Tumor predisposition; Hereditary neoplastic syndrome; Hereditary Cancer Syndrome. Identifiers: Orphanet 140162, MedGen C0027672, MeSH D009386, MONDO:0015356.

Allele frequency attached by ClinVar (database versions not stated): gnomAD exomes below 0.00001.
gnomAD v4.1: 1 of 1,614,046 alleles (0.000062%); highest among the groups gnomAD compares: South Asian, 0.0011%; no homozygotes.

Submission:

Ambry Genetics
Classification: Uncertain significance for Hereditary cancer-predisposing syndrome. Last evaluated: 2023-11-03. Review status: criteria provided, single submitter. Criteria: Ambry Variant Classification Scheme 2023. Collection method: clinical testing. Allele origin: germline.
Comment: The p.C450R variant (also known as c.1348T>C), located in coding exon 8 of the PDGFRA gene, results from a T to C substitution at nucleotide position 1348. The cysteine at codon 450 is replaced by arginine, an amino acid with highly dissimilar properties. This amino acid position is conserved. In addition, this alteration is predicted to be deleterious by in silico analysis. Since supporting evidence is limited at this time, the clinical significance of this alteration remains unclear.